The following is an entry in ClinVar:

ClinVar aggregate classification (germline): Uncertain significance. Review status: criteria provided, multiple submitters, no conflicts (2 of 4 stars). 2 submissions from 2 submitters: Uncertain significance (2). Last evaluated 2024-10-15.

Conditions:
Arterial calcification, generalized, of infancy, 2. Identifiers: Orphanet 51608, MedGen C3276161, MONDO:0013768, OMIM 614473.
Autosomal recessive inherited pseudoxanthoma elasticum (PXE). Identifiers: Orphanet 758, MedGen CN032334, MONDO:0009925, OMIM 264800.
Pseudoxanthoma elasticum, forme fruste. Also called: Pseudoxanthoma Elasticum, Incomplete; PSEUDOXANTHOMA ELASTICUM, HETEROZYGOUS. Identifiers: Orphanet 758, MedGen C1867450, MONDO:0008333, OMIM 177850.

Allele frequency attached by ClinVar (database versions not stated): ExAC 0.00002; gnomAD 0.00009; gnomAD exomes 0.00001; TOPMed 0.00008.
gnomAD v4.1: 25 of 1,603,720 alleles (0.0016%); highest among the groups gnomAD compares: African/African-American, 0.031%; no homozygotes.

Submissions (2):

Labcorp Genetics (formerly Invitae), Labcorp
Classification: Uncertain significance. Last evaluated: 2024-10-15. Review status: criteria provided, single submitter. Criteria: Invitae Variant Classification Sherloc (09022015). Collection method: clinical testing. Allele origin: germline.
Comment: This sequence change replaces serine, which is neutral and polar, with isoleucine, which is neutral and non-polar, at codon 398 of the ABCC6 protein (p.Ser398Ile). This variant is present in population databases (rs769882654, gnomAD 0.03%). This variant has not been reported in the literature in individuals affected with ABCC6-related conditions. ClinVar contains an entry for this variant (Variation ID: 1470715). Invitae Evidence Modeling of protein sequence and biophysical properties (such as structural, functional, and spatial information, amino acid conservation, physicochemical variation, residue mobility, and thermodynamic stability) has been performed for this missense variant. However, the output from this modeling did not meet the statistical confidence thresholds required to predict the impact of this variant on ABCC6 protein function. This variant disrupts the p.Ser398 amino acid residue in ABCC6. Other variant(s) that disrupt this residue have been observed in individuals with ABCC6-related conditions (PMID: 16086317, 18157818), which suggests that this may be a clinically significant amino acid residue. In summary, the available evidence is currently insufficient to determine the role of this variant in disease. Therefore, it has been classified as a Variant of Uncertain Significance.

Fulgent Genetics
Classification: Uncertain significance for Pseudoxanthoma elasticum, forme fruste; Autosomal recessive inherited pseudoxanthoma elasticum; Arterial calcification, generalized, of infancy, 2. Last evaluated: 2024-04-11. Review status: criteria provided, single submitter. Criteria: ACMG Guidelines, 2015. Collection method: clinical testing. Allele origin: germline.

Literature cited by the submitters: PubMed 16086317 (cited by Labcorp Genetics (formerly Invitae), Labcorp); PubMed 18157818 (cited by Labcorp Genetics (formerly Invitae), Labcorp).

NM_001171.6(ABCC6):c.1193G>T (p.Ser398Ile)

Gene: ABCC6 (ATP binding cassette subfamily C member 6; minus strand). Cytogenetic location: 16p13.11.
Variant type: single nucleotide variant.
Coding change: c.1193G>T on transcript NM_001171.6 (MANE Select); coding-DNA position 1193, G replaced by T.
Protein change: p.Ser398Ile; replaces serine 398 with isoleucine.
Molecular consequence: missense variant. On other transcripts: non-coding transcript variant (1).
Genome position (GRCh38, 1-based): chr16:16,198,166, C>A on the plus strand (G>T on the coding strand, the complement: ABCC6 is on the minus strand). VCF-style: chr16-16198166-C-A. GRCh37 (hg19) VCF-style: chr16-16292023-C-A.
Other names: c.851G>T, p.Ser284Ile (NM_001351800.1); short protein forms S398I, S284I.
Identifiers: ClinVar variation 1470715 (VCV001470715.5), dbSNP rs769882654, ClinGen allele CA7926412.